The following is an entry in ClinVar:

NM_207361.6(FREM2):c.678_679del (p.Leu227fs)

Gene: FREM2 (FRAS1 related extracellular matrix 2; plus strand). Cytogenetic location: 13q13.3.
Variant type: Microsatellite.
Coding change: c.678_679del on transcript NM_207361.6 (MANE Select); coding-DNA positions 678 to 679, 2 bases deleted (GC; older notation c.678_679delGC).
Protein change: p.Leu227fs; shifts the reading frame from leucine 227.
Molecular consequence: frameshift variant.
Genome position (GRCh38, 1-based): chr13:38,688,022-38,688,023, GC deleted; deleting any 2 consecutive bases within chr13:38,688,018-38,688,023 gives the same sequence; the c. name uses the placement nearest the transcript's 3' end. VCF-style (leftmost placement, unchanged base first): chr13-38688017-GGC-G. GRCh37 (hg19) VCF-style: chr13-39262154-GGC-G.
Other names: short protein forms L227fs.
Identifiers: ClinVar variation 2828411 (VCV002828411.3), dbSNP rs2541349823, ClinGen allele CA2739277546.

ClinVar aggregate classification (germline): Pathogenic (1 of 4 stars; one submission).

Submission:

Labcorp Genetics (formerly Invitae), Labcorp
Classification: Pathogenic. Last evaluated: 2023-01-14. Review status: criteria provided, single submitter. Criteria: Invitae Variant Classification Sherloc (09022015). Collection method: clinical testing. Allele origin: germline.
Comment: For these reasons, this variant has been classified as Pathogenic. This variant has not been reported in the literature in individuals affected with FREM2-related conditions. This variant is not present in population databases (gnomAD no frequency). This sequence change creates a premature translational stop signal (p.Leu227Alafs*122) in the FREM2 gene. It is expected to result in an absent or disrupted protein product. Loss-of-function variants in FREM2 are known to be pathogenic (PMID: 18203166, 26552811).

Literature cited by the submitters: PubMed 18203166; PubMed 26552811.